The following is an entry in ClinVar:

NC_000002.12:g.121530985A>T

Genes: CLASP1 (cytoplasmic linker associated protein 1; minus strand), CLASP1-AS1 (CLASP1 antisense RNA 1; plus strand), RNU4ATAC (RNA, U4atac small nuclear; plus strand). Cytogenetic location: 2q14.2.
Variant type: single nucleotide variant.
Molecular consequence: intron variant (on NM_001395891.1).
Genome position: GRCh38 VCF-style: chr2-121530985-A-T. GRCh37 (hg19) VCF-style: chr2-122288561-A-T.
Other names: c.196-660T>A (NM_001142274.2, NM_015282.3, NM_001378003.1 and 5 more transcripts).
Identifiers: ClinVar variation 1900200 (VCV001900200.5), dbSNP rs983574623, ClinGen allele CA428888180.

ClinVar aggregate classification (germline): Uncertain significance (1 of 4 stars; one submission).

gnomAD v4.1: 5 of 700,350 alleles (0.00071%); highest among the groups gnomAD compares: Admixed American, 0.002%; no homozygotes.

Submission:

Labcorp Genetics (formerly Invitae), Labcorp
Classification: Uncertain significance. Last evaluated: 2022-08-17. Review status: criteria provided, single submitter. Criteria: Invitae Variant Classification Sherloc (09022015). Collection method: clinical testing. Allele origin: germline.
Comment: This variant is not present in population databases (gnomAD no frequency). In summary, the available evidence is currently insufficient to determine the role of this variant in disease. Therefore, it has been classified as a Variant of Uncertain Significance. Experimental studies and prediction algorithms are not available or were not evaluated, and the functional significance of this variant is currently unknown. This variant has not been reported in the literature in individuals affected with RNU4ATAC-related conditions. This variant occurs in the RNU4ATAC gene, which encodes an RNA molecule that does not result in a protein product.